The following is an entry in ClinVar:

NM_014014.5(SNRNP200):c.1308_1310dup (p.Arg437_Gln438insArg)

Gene: SNRNP200 (small nuclear ribonucleoprotein U5 subunit 200; minus strand). Cytogenetic location: 2q11.2.
Variant type: Duplication.
Coding change: c.1308_1310dup on transcript NM_014014.5 (MANE Select); coding-DNA positions 1308 to 1310, 3 bases duplicated (TCG; older notation c.1308_1310dupTCG).
Protein change: p.Arg437_Gln438insArg.
Molecular consequence: inframe insertion.
Genome position (GRCh38, 1-based): chr2:96,297,430-96,297,432, CGA duplicated on the plus strand (TCG on the coding strand, the reverse complement: SNRNP200 is on the minus strand); duplicating any 3 consecutive bases within chr2:96,297,430-96,297,434 gives the same sequence; the c. name uses the placement nearest the transcript's 3' end. VCF-style (leftmost placement, unchanged base first): chr2-96297429-G-GCGA. GRCh37 (hg19) VCF-style: chr2-96963167-G-GCGA.
Identifiers: ClinVar variation 2013035 (VCV002013035.4), dbSNP rs2467349890, ClinGen allele CA2580068404.
Genomic context (GRCh38, chr2:96,297,429, plus strand): 5'-TGAGCCAAAGGGCTTGGGCTTCAGAGCAGGCACATGCACCTCTTCATAGCCCTTACGCTG[G>GCGA]CGACGGAAGGATCCATCAGGAAGCTGACAGCGTTTATTGGCCATAAAGTGGCTCCCTTGG-3'

ClinVar aggregate classification (germline): Uncertain significance (1 of 4 stars; one submission).

Submission:

Labcorp Genetics (formerly Invitae), Labcorp
Classification: Uncertain significance. Last evaluated: 2022-07-01. Review status: criteria provided, single submitter. Criteria: Invitae Variant Classification Sherloc (09022015). Collection method: clinical testing. Allele origin: germline.
Comment: This variant, c.1308_1310dup, results in the insertion of 1 amino acid(s) of the SNRNP200 protein (p.Arg437dup), but otherwise preserves the integrity of the reading frame. In summary, the available evidence is currently insufficient to determine the role of this variant in disease. Therefore, it has been classified as a Variant of Uncertain Significance. This variant has not been reported in the literature in individuals affected with SNRNP200-related conditions. This variant is not present in population databases (gnomAD no frequency).